The following is an entry in ClinVar:

ClinVar aggregate classification (germline): Uncertain significance (1 of 4 stars; one submission).

Conditions:
Spastic paraplegia. Identifiers: MedGen C0037772, HP:0001258.

Allele frequency attached by ClinVar (database versions not stated): gnomAD exomes below 0.00001 and 0.00001; ExAC 0.00001.
gnomAD v4.1: 1 of 1,612,468 alleles (0.000062%); highest among the groups gnomAD compares: Non-Finnish European, 0.000085%; no homozygotes.

Submission:

Labcorp Genetics (formerly Invitae), Labcorp
Classification: Uncertain significance for Spastic paraplegia. Last evaluated: 2025-04-21. Review status: criteria provided, single submitter. Criteria: Invitae Variant Classification Sherloc (09022015). Collection method: clinical testing. Allele origin: germline.
Comment: This sequence change replaces histidine, which is basic and polar, with arginine, which is basic and polar, at codon 2533 of the ZFYVE26 protein (p.His2533Arg). This variant is present in population databases (rs750842669, gnomAD 0.002%). This variant has not been reported in the literature in individuals affected with ZFYVE26-related conditions. ClinVar contains an entry for this variant (Variation ID: 1496574). An algorithm developed to predict the effect of missense changes on protein structure and function (PolyPhen-2) suggests that this variant is likely to be disruptive. In summary, the available evidence is currently insufficient to determine the role of this variant in disease. Therefore, it has been classified as a Variant of Uncertain Significance.

NM_015346.4(ZFYVE26):c.7598A>G (p.His2533Arg)

Gene: ZFYVE26 (zinc finger FYVE-type containing 26; minus strand). Cytogenetic location: 14q24.1.
Variant type: single nucleotide variant.
Coding change: c.7598A>G on transcript NM_015346.4 (MANE Select); coding-DNA position 7598, A replaced by G.
Protein change: p.His2533Arg; replaces histidine 2533 with arginine.
Molecular consequence: missense variant.
Genome position (GRCh38, 1-based): chr14:67,748,458, T>C on the plus strand (A>G on the coding strand, the complement: ZFYVE26 is on the minus strand). VCF-style: chr14-67748458-T-C. GRCh37 (hg19) VCF-style: chr14-68215175-T-C.
Other names: short protein forms H2533R.
Identifiers: ClinVar variation 1496574 (VCV001496574.8), dbSNP rs750842669, ClinGen allele CA7238910.